The following is an entry in ClinVar:

ClinVar aggregate classification (germline): Benign. Review status: criteria provided, multiple submitters, no conflicts (2 of 4 stars). 3 submissions from 3 submitters: Benign (2). 1 of the submissions does not count toward it. Last evaluated 2019-11-01.

Conditions:
SF3B1-related disorder. Also called: SF3B1-related condition.

Allele frequency attached by ClinVar (database versions not stated): gnomAD exomes 0.65778 and 0.67540; ExAC 0.67084; gnomAD 0.70870 and 0.70917; TOPMed 0.71591; 1000 Genomes Project 0.71665; 1000 Genomes Project 30x 0.71893; ESP Exome Variant Server 0.73508.
gnomAD v4.1: 1,094,129 of 1,611,526 alleles (68%); highest among the groups gnomAD compares: Middle Eastern, 86%; 375,202 homozygotes.

Submissions (3):

GeneDx
Classification: Benign. Last evaluated: 2019-11-01. Review status: criteria provided, single submitter. Criteria: GeneDx Variant Classification Process June 2021. Collection method: clinical testing. Allele origin: germline. Affected: yes.

Breakthrough Genomics
Classification: Benign. Review status: criteria provided, single submitter. Criteria: ACMG Guidelines, 2015. Collection method: not provided. Allele origin: germline. Inheritance: Unknown mechanism. Affected: yes.

PreventionGenetics, part of Exact Sciences
Classification: Benign for SF3B1-related condition. Last evaluated: 2019-10-18. Review status: no assertion criteria provided. Collection method: clinical testing. Allele origin: germline. Not counted in ClinVar's aggregate classification.
Comment: This variant is classified as benign based on ACMG/AMP sequence variant interpretation guidelines (Richards et al. 2015 PMID: 25741868, with internal and published modifications).

NM_012433.4(SF3B1):c.2631T>C (p.Gly877=)

Gene: SF3B1 (splicing factor 3b subunit 1; minus strand). Cytogenetic location: 2q33.1.
Variant type: single nucleotide variant.
Coding change: c.2631T>C on transcript NM_012433.4 (MANE Select); coding-DNA position 2631, T replaced by C.
Protein change: p.Gly877=; no amino-acid change (glycine 877 retained).
Molecular consequence: synonymous variant.
Genome position (GRCh38, 1-based): chr2:197,400,802, A>G on the plus strand (T>C on the coding strand, the complement: SF3B1 is on the minus strand). VCF-style: chr2-197400802-A-G. GRCh37 (hg19) VCF-style: chr2-198265526-A-G.
Other names: c.2631T>C (NM_012433.3).
Identifiers: ClinVar variation 1228123 (VCV001228123.6), dbSNP rs788018, ClinGen allele CA2042526.
Genomic context (GRCh38, chr2:197,400,802, plus strand): 5'-AAGAATACCATCAATCAGTTGTTCTTCAAGTTTATGATCAATATCTGCTGCTCCCAAATT[A>G]CCCATAATTTTCTCAATTGTCTCCATCACCATTTTTCTGTACTGTTCGGCTTCATCTTTC-3'
Protein context (NP_036565.2, residues 867-887): MVMETIEKIM[Gly877=]NLGAADIDHK